The following is an entry in ClinVar:

NM_021167.5(GATAD1):c.170G>C (p.Gly57Ala)

Genes: GATAD1 (GATA zinc finger domain containing 1; plus strand), LOC129998793 (ATAC-STARR-seq lymphoblastoid silent region 18371; plus strand). Cytogenetic location: 7q21.2.
Variant type: single nucleotide variant.
Coding change: c.170G>C on transcript NM_021167.5 (MANE Select); coding-DNA position 170, G replaced by C.
Protein change: p.Gly57Ala; replaces glycine 57 with alanine.
Molecular consequence: missense variant. On other transcripts: non-coding transcript variant (1).
Genome position (GRCh38, 1-based): chr7:92,447,899, G>C. VCF-style: chr7-92447899-G-C. GRCh37 (hg19) VCF-style: chr7-92077213-G-C.
Other names: short protein forms G57A.
Identifiers: ClinVar variation 1007739 (VCV001007739.9), dbSNP rs946556857, ClinGen allele CA368155436.

ClinVar aggregate classification (germline): Uncertain significance (1 of 4 stars; one submission).

Conditions:
Dilated cardiomyopathy 2B. Identifiers: Orphanet 154, MedGen C3553409, MONDO:0013848, OMIM 614672.

Submission:

Labcorp Genetics (formerly Invitae), Labcorp
Classification: Uncertain significance for Dilated cardiomyopathy 2B. Last evaluated: 2024-09-09. Review status: criteria provided, single submitter. Criteria: Invitae Variant Classification Sherloc (09022015). Collection method: clinical testing. Allele origin: germline.
Comment: This sequence change replaces glycine, which is neutral and non-polar, with alanine, which is neutral and non-polar, at codon 57 of the GATAD1 protein (p.Gly57Ala). This variant is not present in population databases (gnomAD no frequency). This variant has not been reported in the literature in individuals affected with GATAD1-related conditions. ClinVar contains an entry for this variant (Variation ID: 1007739). An algorithm developed to predict the effect of missense changes on protein structure and function outputs the following: PolyPhen-2: "Benign". The alanine amino acid residue is found in multiple mammalian species, which suggests that this missense change does not adversely affect protein function. In summary, the available evidence is currently insufficient to determine the role of this variant in disease. Therefore, it has been classified as a Variant of Uncertain Significance.